The following is an entry in ClinVar:

ClinVar aggregate classification (germline): Uncertain significance (1 of 4 stars; one submission).

Submission:

GeneDx
Classification: Uncertain significance. Last evaluated: 2024-12-17. Review status: criteria provided, single submitter. Criteria: GeneDx Variant Classification Process June 2021. Collection method: clinical testing. Allele origin: germline. Affected: yes.
Comment: Frameshift variant predicted to result in abnormal protein length as the last 117 amino acids are replaced with 8 different amino acids; Not observed at significant frequency in large population cohorts (gnomAD); Has not been previously published as pathogenic or benign to our knowledge

NM_183381.3(RNF13):c.792dup (p.Lys265fs)

Gene: RNF13 (ring finger protein 13; plus strand). Cytogenetic location: 3q25.1.
Variant type: Duplication.
Coding change: c.792dup on transcript NM_183381.3 (MANE Select); coding-DNA position 792, one base duplicated (C; older notation c.792dupC).
Protein change: p.Lys265fs; shifts the reading frame from lysine 265.
Molecular consequence: frameshift variant. On other transcripts: non-coding transcript variant (1).
Genome position (GRCh38, 1-based): chr3:149,960,750, C duplicated. VCF-style (leftmost placement, unchanged base first): chr3-149960749-G-GC. GRCh37 (hg19) VCF-style: chr3-149678536-G-GC.
Other names: c.792dup, p.Lys265fs (NM_001378285.1, NM_001378286.1, NM_007282.4); c.435dup, p.Lys146fs (NM_001378287.1, NM_001378288.1, NM_001378289.1 and 2 more transcripts); c.399dup, p.Lys134fs (NM_001378291.1); short protein forms K134fs, K146fs, K265fs.
Identifiers: ClinVar variation 3906581 (VCV003906581.1).